The following is an entry in ClinVar:

NM_006206.6(PDGFRA):c.1701_1702delinsGC (p.Asp568His)

Gene: PDGFRA (platelet derived growth factor receptor alpha; plus strand). Cytogenetic location: 4q12.
Variant type: Indel.
Coding change: c.1701_1702delinsGC on transcript NM_006206.6 (MANE Select); coding-DNA positions 1701 to 1702, AG replaced by GC.
Protein change: p.Asp568His; replaces aspartic acid 568 with histidine.
Molecular consequence: missense variant.
Genome position (GRCh38, 1-based): chr4:54,274,888-54,274,889, AG replaced by GC. VCF-style: chr4-54274888-AG-GC. GRCh37 (hg19) VCF-style: chr4-55141055-AG-GC.
Other names: c.1701_1702delinsGC, p.Asp568His (NM_001347827.2, NM_001347829.2); c.1776_1777delinsGC, p.Asp593His (NM_001347828.2); c.1740_1741delinsGC, p.Asp581His (NM_001347830.2); short protein forms D581H, D593H, D568H.
Identifiers: ClinVar variation 2041188 (VCV002041188.4), dbSNP rs2475497335, ClinGen allele CA2580071183.
Genomic context (GRCh38, chr4:54,274,888, plus strand): 5'-TGGTCATTTATAGAAACCGAGGTATGAAATTCGCTGGAGGGTCATTGAATCAATCAGCCC[AG>GC]ATGGACATGAATATATTTATGTGGACCCGATGCAGCTGCCTTATGACTCAAGATGGGAGT-3'
Protein context (NP_006197.1, residues 558-578): RWRVIESISP[Asp568His]GHEYIYVDPM

ClinVar aggregate classification (germline): Uncertain significance (1 of 4 stars; one submission).

Conditions:
Gastrointestinal stromal tumor. Also called: Gastrointestinal stroma tumor; Gastrointestinal stromal tumor, somatic. Identifiers: Orphanet 44890, MedGen C0238198, MeSH D046152, MONDO:0011719, OMIM 606764, HP:0100723.

Submission:

Labcorp Genetics (formerly Invitae), Labcorp
Classification: Uncertain significance for Gastrointestinal stromal tumor. Last evaluated: 2021-12-12. Review status: criteria provided, single submitter. Criteria: Invitae Variant Classification Sherloc (09022015). Collection method: clinical testing. Allele origin: germline.
Comment: This sequence change replaces aspartic acid, which is acidic and polar, with histidine, which is basic and polar, at codon 568 of the PDGFRA protein (p.Asp568His). Information on the frequency of this variant in the gnomAD database is not available, as this variant may be reported differently in the database. This variant has not been reported in the literature in individuals affected with PDGFRA-related conditions. Experimental studies and prediction algorithms are not available or were not evaluated, and the functional significance of this variant is currently unknown. In summary, the available evidence is currently insufficient to determine the role of this variant in disease. Therefore, it has been classified as a Variant of Uncertain Significance.